The following is an entry in ClinVar:

NM_001161352.2(KCNMA1):c.603-5A>G

Gene: KCNMA1 (potassium calcium-activated channel subfamily M alpha 1; minus strand). Cytogenetic location: 10q22.3.
Variant type: single nucleotide variant.
Coding change: c.603-5A>G on transcript NM_001161352.2 (MANE Select); 5 bases into the intron before coding-DNA position 603, A replaced by G.
Molecular consequence: intron variant.
Genome position (GRCh38, 1-based): chr10:77,184,921, T>C on the plus strand (A>G on the coding strand, the complement: KCNMA1 is on the minus strand). VCF-style: chr10-77184921-T-C. GRCh37 (hg19) VCF-style: chr10-78944679-T-C.
Other names: c.441-5A>G (NM_001271518.2); c.603-5A>G (NM_001322832.2, NM_001322829.2, NM_001014797.3 and 7 more transcripts); c.63-5A>G (NM_001322838.2).
Identifiers: ClinVar variation 727704 (VCV000727704.12), dbSNP rs907422214, ClinGen allele CA210109136.
Genomic context (GRCh38, chr10:77,184,921, plus strand): 5'-CCATGTCGATCTGTAATGTGAAATCTTTGTAGAAATTCTGGCAGGATTCTATTGGGCTAT[T>C]AGACAGGAAGAAGAAAAAGCAAGAGGTAAATGACAGGTAGTATCATCCTGTCTCCCACGA-3'

ClinVar aggregate classification (germline): Conflicting classifications of pathogenicity. Review status: criteria provided, conflicting classifications (1 of 4 stars). 2 submissions from 2 submitters: Uncertain significance (1); Likely benign (1). Last evaluated 2025-10-01.

Conditions:
Inborn genetic diseases. Identifiers: MedGen C0950123, MeSH D030342.
Generalized epilepsy-paroxysmal dyskinesia syndrome (PNKD3). Also called: Paroxysmal nonkinesigenic dyskinesia, 3, with or without generalized epilepsy; Generalized epilepsy and paroxysmal dyskinesia. Identifiers: Orphanet 79137, MedGen C5574945, MONDO:0012276, OMIM 609446.

Allele frequency attached by ClinVar (database versions not stated): gnomAD exomes below 0.00001 and 0.00001; gnomAD 0.00007 and 0.00008; TOPMed 0.00014.
gnomAD v4.1: 15 of 1,571,902 alleles (0.00095%); highest among the groups gnomAD compares: Admixed American, 0.022%; no homozygotes.

Submissions (2):

Labcorp Genetics (formerly Invitae), Labcorp
Classification: Likely benign for Generalized epilepsy-paroxysmal dyskinesia syndrome. Last evaluated: 2025-10-01. Review status: criteria provided, single submitter. Criteria: Invitae Variant Classification Sherloc (09022015). Collection method: clinical testing. Allele origin: germline.

Ambry Genetics
Classification: Uncertain significance for Inborn genetic diseases. Last evaluated: 2025-06-09. Review status: criteria provided, single submitter. Criteria: Ambry Variant Classification Scheme 2023. Collection method: clinical testing. Allele origin: germline.
Comment: The c.603-5A>G intronic alteration consists of a A to G substitution 5 nucleotides before coding exon 4 in the KCNMA1 gene. Based on insufficient or conflicting evidence, the clinical significance of this alteration remains unclear.